The following is an entry in ClinVar:

ClinVar aggregate classification (germline): Likely benign. Review status: criteria provided, multiple submitters, no conflicts (2 of 4 stars). 3 submissions from 3 submitters: Likely benign (2). 1 of the submissions does not count toward it. Last evaluated 2026-01-28.

Conditions:
TH-deficient dopa-responsive dystonia. Also called: Segawa syndrome, autosomal recessive; Tyrosine Hydroxylase-Deficient Dopa-Responsive Dystonia; DYT-TH. Identifiers: Orphanet 101150, MedGen C2673535, MONDO:0011551, OMIM 605407.

Allele frequency attached by ClinVar (database versions not stated): ExAC 0.00010; gnomAD 0.00010; TOPMed 0.00010.
gnomAD v4.1: 18 of 1,610,570 alleles (0.0011%); highest among the groups gnomAD compares: East Asian, 0.04%; no homozygotes.

Submissions (3):

Labcorp Genetics (formerly Invitae), Labcorp
Classification: Likely benign for TH-deficient dopa-responsive dystonia. Last evaluated: 2026-01-28. Review status: criteria provided, single submitter. Criteria: Invitae Variant Classification Sherloc (09022015). Collection method: clinical testing. Allele origin: germline.

CeGaT Center for Human Genetics Tuebingen
Classification: Likely benign. Last evaluated: 2025-11-01. Review status: criteria provided, single submitter. Criteria: CeGaT Center For Human Genetics Tuebingen Variant Classification Criteria Version 2. Collection method: clinical testing. Allele origin: germline. Affected: yes. Observed: 1 variant allele.
Comment: TH: BP4, BP7

Natera, Inc.
Classification: Uncertain significance for Autosomal recessive Segawa syndrome. Last evaluated: 2020-04-12. Review status: no assertion criteria provided. Collection method: clinical testing. Allele origin: germline. Not counted in ClinVar's aggregate classification.

NM_000360.4(TH):c.126C>A (p.Ile42=)

Gene: TH (tyrosine hydroxylase; minus strand). Cytogenetic location: 11p15.5.
Variant type: single nucleotide variant.
Coding change: c.126C>A on transcript NM_000360.4 (MANE Select); coding-DNA position 126, C replaced by A.
Protein change: p.Ile42=; no amino-acid change (isoleucine 42 retained).
Molecular consequence: synonymous variant.
Genome position (GRCh38, 1-based): chr11:2,169,836, G>T on the plus strand (C>A on the coding strand, the complement: TH is on the minus strand). VCF-style: chr11-2169836-G-T. GRCh37 (hg19) VCF-style: chr11-2191066-G-T.
Other names: c.219C>A, p.Ile73= (NM_199292.3); c.207C>A, p.Ile69= (NM_199293.3).
Identifiers: ClinVar variation 700255 (VCV000700255.17), dbSNP rs755664117, ClinGen allele CA5818788.